The following is an entry in ClinVar:

NM_014425.5(INVS):c.2834T>A (p.Leu945His)

Gene: INVS (inversin; plus strand). Cytogenetic location: 9q31.1.
Variant type: single nucleotide variant.
Coding change: c.2834T>A on transcript NM_014425.5 (MANE Select); coding-DNA position 2834, T replaced by A.
Protein change: p.Leu945His; replaces leucine 945 with histidine.
Molecular consequence: missense variant. On other transcripts: non-coding transcript variant (1).
Genome position (GRCh38, 1-based): chr9:100,296,964, T>A. VCF-style: chr9-100296964-T-A. GRCh37 (hg19) VCF-style: chr9-103059246-T-A.
Other names: c.2546T>A, p.Leu849His (NM_001318381.2); c.1856T>A, p.Leu619His (NM_001318382.2); c.2834T>A (NM_014425.2); short protein forms L945H, L849H, L619H.
Identifiers: ClinVar variation 289200 (VCV000289200.10), dbSNP rs757927270, ClinGen allele CA5158723.
Genomic context (GRCh38, chr9:100,296,964, plus strand): 5'-CTGACCCAACCAGCTACCAGCTCAGGAAGCACCTGTCCCACCTTCGGCATATGAAGCAGC[T>A]TGGAGCTGGAGATGTGGACAGATGGAGGCAAGAGTCTACAGCATTGCTCCTCCAGGTTTG-3'
Protein context (NP_055240.2, residues 935-955): HLSHLRHMKQ[Leu945His]GAGDVDRWRQ

ClinVar aggregate classification (germline): Uncertain significance. Review status: criteria provided, multiple submitters, no conflicts (2 of 4 stars). 3 submissions from 3 submitters: Uncertain significance (3). Last evaluated 2024-04-18.

Conditions:
Inborn genetic diseases. Identifiers: MedGen C0950123, MeSH D030342.
Nephronophthisis. Also called: Juvenile Nephronophthisis. Identifiers: Orphanet 655, MedGen C0687120, MONDO:0019005, HP:0000090.

Allele frequency attached by ClinVar (database versions not stated): gnomAD below 0.00001 and 0.00001; gnomAD exomes 0.00001 and 0.00002; ExAC 0.00002.
gnomAD v4.1: 10 of 1,613,954 alleles (0.00062%); highest among the groups gnomAD compares: South Asian, 0.011%; no homozygotes.

Submissions (3):

Ambry Genetics
Classification: Uncertain significance for Inborn genetic diseases. Last evaluated: 2024-04-18. Review status: criteria provided, single submitter. Criteria: Ambry Variant Classification Scheme 2023. Collection method: clinical testing. Allele origin: germline.

Labcorp Genetics (formerly Invitae), Labcorp
Classification: Uncertain significance for Nephronophthisis. Last evaluated: 2021-08-28. Review status: criteria provided, single submitter. Criteria: Invitae Variant Classification Sherloc (09022015). Collection method: clinical testing. Allele origin: germline.
Comment: This sequence change replaces leucine with histidine at codon 945 of the INVS protein (p.Leu945His). The leucine residue is moderately conserved and there is a moderate physicochemical difference between leucine and histidine. This variant is present in population databases (rs757927270, ExAC 0.02%). This variant has not been reported in the literature in individuals affected with INVS-related conditions. ClinVar contains an entry for this variant (Variation ID: 289200). Algorithms developed to predict the effect of missense changes on protein structure and function output the following: SIFT: "Deleterious"; PolyPhen-2: "Benign"; Align-GVGD: "Class C0". The histidine amino acid residue is found in multiple mammalian species, which suggests that this missense change does not adversely affect protein function. In summary, the available evidence is currently insufficient to determine the role of this variant in disease. Therefore, it has been classified as a Variant of Uncertain Significance.

Eurofins Ntd Llc (ga)
Classification: Uncertain significance. Last evaluated: 2016-06-28. Review status: criteria provided, single submitter. Criteria: EGL Classification Definitions 2015. Collection method: clinical testing. Allele origin: germline. Observed: 1 variant allele, 1 heterozygote.